The following is an entry in ClinVar:

NM_004525.3(LRP2):c.5617C>G (p.Pro1873Ala)

Gene: LRP2 (LDL receptor related protein 2; minus strand). Cytogenetic location: 2q31.1.
Variant type: single nucleotide variant.
Coding change: c.5617C>G on transcript NM_004525.3 (MANE Select); coding-DNA position 5617, C replaced by G.
Protein change: p.Pro1873Ala; replaces proline 1873 with alanine.
Molecular consequence: missense variant.
Genome position (GRCh38, 1-based): chr2:169,220,485, G>C on the plus strand (C>G on the coding strand, the complement: LRP2 is on the minus strand). VCF-style: chr2-169220485-G-C. GRCh37 (hg19) VCF-style: chr2-170076995-G-C.
Other names: short protein forms P1873A.
Identifiers: ClinVar variation 2098628 (VCV002098628.3), dbSNP rs1574147736, ClinGen allele CA349137877.
Genomic context (GRCh38, chr2:169,220,485, plus strand): 5'-GAAGACACGTGCCATTTATGAATACTCACCCACGAGCAGGATCAACAGTTATGCCAATTG[G>C]AAAGCCAACTCCAAGAGCTGTCCCATCATTGGCAATCAATGTTTTTCTGTATCTGATATC-3'
Protein context (NP_004516.2, residues 1863-1883): NDGTALGVGF[Pro1873Ala]IGITVDPARG

ClinVar aggregate classification (germline): Uncertain significance (1 of 4 stars; one submission).

Allele frequency attached by ClinVar (database versions not stated): gnomAD exomes below 0.00001.
gnomAD v4.1: 2 of 1,613,614 alleles (0.00012%); highest among the groups gnomAD compares: Non-Finnish European, 0.00017%; no homozygotes.

Submission:

Labcorp Genetics (formerly Invitae), Labcorp
Classification: Uncertain significance. Last evaluated: 2022-03-10. Review status: criteria provided, single submitter. Criteria: Invitae Variant Classification Sherloc (09022015). Collection method: clinical testing. Allele origin: germline.
Comment: This sequence change replaces proline, which is neutral and non-polar, with alanine, which is neutral and non-polar, at codon 1873 of the LRP2 protein (p.Pro1873Ala). This variant is not present in population databases (gnomAD no frequency). This variant has not been reported in the literature in individuals affected with LRP2-related conditions. Advanced modeling of protein sequence and biophysical properties (such as structural, functional, and spatial information, amino acid conservation, physicochemical variation, residue mobility, and thermodynamic stability) performed at Invitae indicates that this missense variant is expected to disrupt LRP2 protein function. In summary, the available evidence is currently insufficient to determine the role of this variant in disease. Therefore, it has been classified as a Variant of Uncertain Significance.